The following is an entry in ClinVar:

NM_000138.5(FBN1):c.5590C>T (p.Gln1864Ter)

Gene: FBN1 (fibrillin 1; minus strand). Cytogenetic location: 15q21.1.
Variant type: single nucleotide variant.
Coding change: c.5590C>T on transcript NM_000138.5 (MANE Select); coding-DNA position 5590, C replaced by T.
Protein change: p.Gln1864Ter; replaces glutamine 1864 with a stop codon.
Molecular consequence: nonsense.
Genome position (GRCh38, 1-based): chr15:48,448,849, G>A on the plus strand (C>T on the coding strand, the complement: FBN1 is on the minus strand). VCF-style: chr15-48448849-G-A. GRCh37 (hg19) VCF-style: chr15-48741046-G-A.
Other names: short protein forms Q1864*.
Identifiers: ClinVar variation 527195 (VCV000527195.7), dbSNP rs1555395985, ClinGen allele CA392342138.

ClinVar aggregate classification (germline): Pathogenic. Review status: criteria provided, multiple submitters, no conflicts (2 of 4 stars). 2 submissions from 2 submitters: Pathogenic (2). Last evaluated 2026-07-09.

Conditions:
Marfan syndrome (MFS). Also called: FBN1-Related Marfan Syndrome; Marfan's syndrome; MARFAN SYNDROME, TYPE I; Marfan syndrome, classic; Marfan syndrome type 1. Identifiers: Orphanet 284963, Orphanet 558, MedGen C0024796, MONDO:0007947, OMIM 154700.
Familial thoracic aortic aneurysm and aortic dissection (TAAD). Also called: Thoracic aortic aneurysms and dissections. Identifiers: Orphanet 91387, MedGen C4707243, MONDO:0019625.

Submissions (2):

Ambry Genetics
Classification: Pathogenic for Familial thoracic aortic aneurysm and aortic dissection. Last evaluated: 2026-07-09. Review status: criteria provided, single submitter. Criteria: Ambry Variant Classification Scheme 2023. Collection method: clinical testing. Allele origin: germline.
Comment: The p.Q1864* pathogenic mutation (also known as c.5590C>T), located in coding exon 45 of the FBN1 gene, results from a C to T substitution at nucleotide position 5590. This changes the amino acid from a glutamine to a stop codon within coding exon 45. This variant is considered to be rare based on population cohorts in the Genome Aggregation Database (gnomAD). This alteration is expected to result in loss of function by premature protein truncation or nonsense-mediated mRNA decay. As such, this alteration is interpreted as a disease-causing mutation.

Labcorp Genetics (formerly Invitae), Labcorp
Classification: Pathogenic for Marfan syndrome; Familial thoracic aortic aneurysm and aortic dissection. Last evaluated: 2025-08-07. Review status: criteria provided, single submitter. Criteria: Invitae Variant Classification Sherloc (09022015). Collection method: clinical testing. Allele origin: germline.
Comment: This sequence change creates a premature translational stop signal (p.Gln1864*) in the FBN1 gene. It is expected to result in an absent or disrupted protein product. Loss-of-function variants in FBN1 are known to be pathogenic (PMID: 17657824, 19293843). This variant is not present in population databases (gnomAD no frequency). This variant has not been reported in the literature in individuals affected with FBN1-related conditions. ClinVar contains an entry for this variant (Variation ID: 527195). For these reasons, this variant has been classified as Pathogenic.

Literature cited by the submitters: PubMed 17657824 (cited by Labcorp Genetics (formerly Invitae), Labcorp); PubMed 19293843 (cited by Labcorp Genetics (formerly Invitae), Labcorp).